The following is an entry in ClinVar:

NM_001365999.1(SZT2):c.7937G>A (p.Arg2646Gln)

Gene: SZT2 (SZT2 subunit of KICSTOR complex; plus strand). Cytogenetic location: 1p34.2.
Variant type: single nucleotide variant.
Coding change: c.7937G>A on transcript NM_001365999.1 (MANE Select); coding-DNA position 7937, G replaced by A.
Protein change: p.Arg2646Gln; replaces arginine 2646 with glutamine.
Molecular consequence: missense variant.
Genome position (GRCh38, 1-based): chr1:43,442,331, G>A. VCF-style: chr1-43442331-G-A. GRCh37 (hg19) VCF-style: chr1-43908002-G-A.
Other names: c.7766G>A, p.Arg2589Gln (NM_015284.4); c.7766G>A (NM_015284.3); short protein forms R2589Q, R2646Q.
Identifiers: ClinVar variation 2147180 (VCV002147180.2), dbSNP rs763735053, ClinGen allele CA810409.

ClinVar aggregate classification (germline): Uncertain significance. Review status: criteria provided, multiple submitters, no conflicts (2 of 4 stars). 2 submissions from 2 submitters: Uncertain significance (2). Last evaluated 2025-08-23.

Conditions:
Inborn genetic diseases. Identifiers: MedGen C0950123, MeSH D030342.

Allele frequency attached by ClinVar (database versions not stated): TOPMed below 0.00001; gnomAD 0.00001; ExAC 0.00002.
gnomAD v4.1: 12 of 1,614,002 alleles (0.00074%); highest among the groups gnomAD compares: Admixed American, 0.005%; no homozygotes.

Submissions (2):

Ambry Genetics
Classification: Uncertain significance for Inborn genetic diseases. Last evaluated: 2025-08-23. Review status: criteria provided, single submitter. Criteria: Ambry Variant Classification Scheme 2023. Collection method: clinical testing. Allele origin: germline.

Labcorp Genetics (formerly Invitae), Labcorp
Classification: Uncertain significance. Last evaluated: 2022-06-26. Review status: criteria provided, single submitter. Criteria: Invitae Variant Classification Sherloc (09022015). Collection method: clinical testing. Allele origin: germline.
Comment: This sequence change replaces arginine, which is basic and polar, with glutamine, which is neutral and polar, at codon 2589 of the SZT2 protein (p.Arg2589Gln). This variant is present in population databases (rs763735053, gnomAD 0.006%). This variant has not been reported in the literature in individuals affected with SZT2-related conditions. Algorithms developed to predict the effect of missense changes on protein structure and function (SIFT, PolyPhen-2, Align-GVGD) all suggest that this variant is likely to be disruptive. In summary, the available evidence is currently insufficient to determine the role of this variant in disease. Therefore, it has been classified as a Variant of Uncertain Significance.